The following is an entry in ClinVar:

NM_022367.4(SEMA4A):c.461T>C (p.Ile154Thr)

Gene: SEMA4A (semaphorin 4A; plus strand). Cytogenetic location: 1q22.
Variant type: single nucleotide variant.
Coding change: c.461T>C on transcript NM_022367.4 (MANE Select); coding-DNA position 461, T replaced by C.
Protein change: p.Ile154Thr; replaces isoleucine 154 with threonine.
Molecular consequence: missense variant. On other transcripts: 5 prime UTR variant (2), intron variant (1).
Genome position (GRCh38, 1-based): chr1:156,158,485, T>C. VCF-style: chr1-156158485-T-C. GRCh37 (hg19) VCF-style: chr1-156128276-T-C.
Other names: c.461T>C, p.Ile154Thr (NM_001193300.2, NM_001193301.2, NM_001370567.1); c.164T>C, p.Ile55Thr (NM_001370568.1); c.-64T>C (NM_001370569.1, NM_001370571.1); c.67-234T>C (NM_001193302.2); short protein forms I55T, I154T.
Identifiers: ClinVar variation 2973305 (VCV002973305.3), dbSNP rs767191034, ClinGen allele CA1155036.
Genomic context (GRCh38, chr1:156,158,485, plus strand): 5'-ACAATGTCACCCATCTCTACACCTGCGGCACCTTCGCCTTCAGCCCTGCTTGTACCTTCA[T>C]TGTGAGTTCTCTGGTGCCCAGCGCTCAGGCCCCCAAGCATCCCTTCTCACATCTACCCAC-3'
Protein context (NP_071762.2, residues 144-164): TFAFSPACTF[Ile154Thr]ELQDSYLLPI

ClinVar aggregate classification (germline): Uncertain significance (1 of 4 stars; one submission).

Allele frequency attached by ClinVar (database versions not stated): ExAC 0.00001; gnomAD exomes 0.00001.
gnomAD v4.1: 13 of 1,610,136 alleles (0.00081%); highest among the groups gnomAD compares: Non-Finnish European, 0.001%; no homozygotes.

Submission:

Labcorp Genetics (formerly Invitae), Labcorp
Classification: Uncertain significance. Last evaluated: 2023-02-05. Review status: criteria provided, single submitter. Criteria: Invitae Variant Classification Sherloc (09022015). Collection method: clinical testing. Allele origin: germline.
Comment: In summary, the available evidence is currently insufficient to determine the role of this variant in disease. Therefore, it has been classified as a Variant of Uncertain Significance. Algorithms developed to predict the effect of missense changes on protein structure and function (SIFT, PolyPhen-2, Align-GVGD) all suggest that this variant is likely to be disruptive. This variant has not been reported in the literature in individuals affected with SEMA4A-related conditions. This variant is present in population databases (rs767191034, gnomAD 0.0009%). This sequence change replaces isoleucine, which is neutral and non-polar, with threonine, which is neutral and polar, at codon 154 of the SEMA4A protein (p.Ile154Thr).